The following is an entry in ClinVar:

NM_001715.3(BLK):c.369-10C>T

Genes: BLK (BLK proto-oncogene, Src family tyrosine kinase), LOC126860303 (CDK7 strongly-dependent group 2 enhancer GRCh37_chr8:11407118-11408317). Cytogenetic location: 8p23.1.
Variant type: single nucleotide variant.
Coding change: c.369-10C>T on transcript NM_001715.3 (MANE Select); 10 bases into the intron before coding-DNA position 369, C replaced by T.
Molecular consequence: intron variant.
Genome position (GRCh38, 1-based): chr8:11,550,149, C>T. VCF-style: chr8-11550149-C-T. GRCh37 (hg19) VCF-style: chr8-11407658-C-T.
Other names: c.156-10C>T (NM_001330465.2).
Identifiers: ClinVar variation 434511 (VCV000434511.11), dbSNP rs750408108, ClinGen allele CA4629861.

ClinVar aggregate classification (germline): Conflicting classifications of pathogenicity. Review status: criteria provided, conflicting classifications (1 of 4 stars). 3 submissions from 3 submitters: Uncertain significance (1); Likely benign (2). Last evaluated 2025-12-11.

Conditions:
BLK-related disorder. Also called: BLK-related condition.

Allele frequency attached by ClinVar (database versions not stated): gnomAD 0.00001; TOPMed 0.00001; ExAC 0.00002; gnomAD exomes 0.00004.
gnomAD v4.1: 17 of 1,613,168 alleles (0.0011%); highest among the groups gnomAD compares: Admixed American, 0.012%; no homozygotes.

Submissions (3):

Labcorp Genetics (formerly Invitae), Labcorp
Classification: Likely benign. Last evaluated: 2025-12-11. Review status: criteria provided, single submitter. Criteria: Invitae Variant Classification Sherloc (09022015). Collection method: clinical testing. Allele origin: germline.

PreventionGenetics, part of Exact Sciences
Classification: Likely benign for BLK-related condition. Last evaluated: 2025-06-26. Review status: criteria provided, single submitter. Criteria: ACMG Guidelines, 2015. Collection method: clinical testing. Allele origin: germline.
Comment: This variant is classified as likely benign based on ACMG/AMP sequence variant interpretation guidelines (Richards et al. 2015 PMID: 25741868, with internal and published modifications).

Genetic Services Laboratory, University of Chicago
Classification: Uncertain significance. Last evaluated: 2016-07-19. Review status: criteria provided, single submitter. Criteria: ACMG Guidelines, 2015. Collection method: clinical testing. Allele origin: germline. Affected: no.